The following is an entry in ClinVar:

ClinVar aggregate classification (germline): Likely benign (1 of 4 stars; one submission).

gnomAD v4.1: 2 of 1,552,958 alleles (0.00013%); no homozygotes.

Submission:

CeGaT Center for Human Genetics Tuebingen
Classification: Likely benign. Last evaluated: 2026-06-01. Review status: criteria provided, single submitter. Criteria: CeGaT Center For Human Genetics Tuebingen Variant Classification Criteria Version 2. Collection method: clinical testing. Allele origin: germline. Affected: yes. Observed: 1 variant allele.
Comment: LSM11: BP4, BP7

NM_173491.4(LSM11):c.93C>T (p.Phe31=)

Genes: LSM11 (LSM11, U7 small nuclear RNA associated; plus strand), LOC129995145 (ATAC-STARR-seq lymphoblastoid silent region 16563; plus strand). Cytogenetic location: 5q33.3.
Variant type: single nucleotide variant.
Coding change: c.93C>T on transcript NM_173491.4 (MANE Select); coding-DNA position 93, C replaced by T.
Protein change: p.Phe31=; no amino-acid change (phenylalanine 31 retained).
Molecular consequence: synonymous variant.
Genome position (GRCh38, 1-based): chr5:157,743,843, C>T. VCF-style: chr5-157743843-C-T. GRCh37 (hg19) VCF-style: chr5-157170851-C-T.
Identifiers: ClinVar variation 4874225 (VCV004874225.2).